The following is an entry in ClinVar:

NM_000093.5(COL5A1):c.5294G>A (p.Arg1765His)

Genes: COL5A1 (collagen type V alpha 1 chain; plus strand), LOC101448202 (uncharacterized LOC101448202; minus strand). Cytogenetic location: 9q34.3.
Variant type: single nucleotide variant.
Coding change: c.5294G>A on transcript NM_000093.5 (MANE Select); coding-DNA position 5294, G replaced by A.
Protein change: p.Arg1765His; replaces arginine 1765 with histidine.
Molecular consequence: missense variant.
Genome position (GRCh38, 1-based): chr9:134,835,128, G>A. VCF-style: chr9-134835128-G-A. GRCh37 (hg19) VCF-style: chr9-137726974-G-A.
Other names: c.5294G>A, p.Arg1765His (NM_001278074.1); c.5294G>A (NM_000093.3); short protein forms R1765H.
Identifiers: ClinVar variation 1035130 (VCV001035130.14), dbSNP rs150608071, ClinGen allele CA5320684.

ClinVar aggregate classification (germline): Conflicting classifications of pathogenicity. Review status: criteria provided, conflicting classifications (1 of 4 stars). 5 submissions from 5 submitters: Uncertain significance (3); Benign (1); Likely benign (1). Last evaluated 2025-08-05.

Conditions:
Ehlers-Danlos syndrome, classic type, 1 (EDSCL1). Also called: EHLERS-DANLOS SYNDROME, GRAVIS TYPE; EHLERS-DANLOS SYNDROME, SEVERE CLASSIC TYPE; EDS I; Ehlers-Danlos Syndrome, Classic Type, COL5A1-Related; Ehlers-Danlos syndrome, type 1. Identifiers: MedGen C0268335, MONDO:0019567, OMIM 130000.
Familial thoracic aortic aneurysm and aortic dissection (TAAD). Also called: Thoracic aortic aneurysms and dissections. Identifiers: Orphanet 91387, MedGen C4707243, MONDO:0019625.

Allele frequency attached by ClinVar (database versions not stated): gnomAD 0.00003 and 0.00002; gnomAD exomes 0.00005 and 0.00003; TOPMed 0.00003; ExAC 0.00006; 1000 Genomes Project 0.00020; ESP Exome Variant Server 0.00008; 1000 Genomes Project 30x 0.00016.
gnomAD v4.1: 45 of 1,613,840 alleles (0.0028%); highest among the groups gnomAD compares: Middle Eastern, 0.049%; no homozygotes.

Submissions (5):

Labcorp Genetics (formerly Invitae), Labcorp
Classification: Benign for Ehlers-Danlos syndrome, classic type, 1. Last evaluated: 2025-08-05. Review status: criteria provided, single submitter. Criteria: Invitae Variant Classification Sherloc (09022015). Collection method: clinical testing. Allele origin: germline.

Ambry Genetics
Classification: Uncertain significance for Familial thoracic aortic aneurysm and aortic dissection. Last evaluated: 2025-05-25. Review status: criteria provided, single submitter. Criteria: Ambry Variant Classification Scheme 2023. Collection method: clinical testing. Allele origin: germline.
Comment: The p.R1765H variant (also known as c.5294G>A), located in coding exon 65 of the COL5A1 gene, results from a G to A substitution at nucleotide position 5294. The arginine at codon 1765 is replaced by histidine, an amino acid with highly similar properties. This amino acid position is highly conserved in available vertebrate species. In addition, this alteration is predicted to be deleterious by in silico analysis. Based on the available evidence, the clinical significance of this variant remains unclear.

Women's Health and Genetics/Laboratory Corporation of America, LabCorp
Classification: Likely benign. Last evaluated: 2024-04-22. Review status: criteria provided, single submitter. Criteria: LabCorp Variant Classification Summary - May 2015. Collection method: clinical testing. Allele origin: germline.
Comment: Variant summary: COL5A1 c.5294G>A (p.Arg1765His) results in a non-conservative amino acid change located in the C-terminal domain (IPR000885) of the encoded protein sequence. Three of five in-silico tools predict a damaging effect of the variant on protein function. The variant allele was found at a frequency of 2.6e-05 in 1606866 control chromosomes, predominantly at a frequency of 0.00018 within the South Asian subpopulation in the gnomAD database (v4.1 dataset). The observed variant frequency within South Asian control individuals in the gnomAD database is approximately 5.8-fold of the estimated maximal expected allele frequency for a pathogenic variant in COL5A1 causing Ehlers-Danlos Syndrome phenotype (3.1e-05), strongly suggesting that the variant is a benign polymorphism. To our knowledge, no occurrence of c.5294G>A in individuals affected with Ehlers-Danlos Syndrome and no experimental evidence demonstrating its impact on protein function have been reported. ClinVar contains an entry for this variant (Variation ID: 1035130). Based on the evidence outlined above, the variant was classified as likely benign.

GeneDx
Classification: Uncertain significance. Last evaluated: 2023-04-17. Review status: criteria provided, single submitter. Criteria: GeneDx Variant Classification Process June 2021. Collection method: clinical testing. Allele origin: germline. Affected: yes.
Comment: In silico analysis supports that this missense variant has a deleterious effect on protein structure/function; Not located in the triple helical region, where the majority of pathogenic missense variants occur (Symoens et al., 2012; HGMD); Has not been previously published as pathogenic or benign to our knowledge

Breakthrough Genomics
Classification: Uncertain significance. Review status: criteria provided, single submitter. Criteria: ACMG Guidelines, 2015. Collection method: not provided. Allele origin: germline. Inheritance: Autosomal dominant inheritance. Affected: yes.